The following is an entry in ClinVar:

ClinVar aggregate classification (germline): Likely pathogenic (1 of 4 stars; one submission).

Conditions:
Centromeric instability of chromosomes 1,9 and 16 and immunodeficiency (ICF1). Also called: IMMUNE DEFICIENCY, VARIABLE, WITH CENTROMERIC INSTABILITY OF CHROMOSOMES 1, 9, AND 16; IMMUNODEFICIENCY SYNDROME, VARIABLE; Immunodeficiency-centromeric instability-facial anomalies; CENTROMERIC INSTABILITY, IMMUNODEFICIENCY SYNDROME. Identifiers: Orphanet 2268, MedGen C0398788, MONDO:0000133.

Submission:

Labcorp Genetics (formerly Invitae), Labcorp
Classification: Likely pathogenic for Centromeric instability of chromosomes 1,9 and 16 and immunodeficiency. Last evaluated: 2024-01-13. Review status: criteria provided, single submitter. Criteria: Invitae Variant Classification Sherloc (09022015). Collection method: clinical testing. Allele origin: germline.
Comment: This sequence change affects a donor splice site in intron 6 of the DNMT3B gene. It is expected to disrupt RNA splicing. Variants that disrupt the donor or acceptor splice site typically lead to a loss of protein function (PMID: 16199547), and loss-of-function variants in DNMT3B are known to be pathogenic (PMID: 11102980). This variant is not present in population databases (gnomAD no frequency). This variant has not been reported in the literature in individuals affected with DNMT3B-related conditions. Algorithms developed to predict the effect of sequence changes on RNA splicing suggest that this variant may disrupt the consensus splice site. In summary, the currently available evidence indicates that the variant is pathogenic, but additional data are needed to prove that conclusively. Therefore, this variant has been classified as Likely Pathogenic.

Literature cited by the submitters: PubMed 16199547; PubMed 11102980.

NM_006892.4(DNMT3B):c.654+1G>C

Gene: DNMT3B (DNA methyltransferase 3 beta; plus strand). Cytogenetic location: 20q11.21.
Variant type: single nucleotide variant.
Coding change: c.654+1G>C on transcript NM_006892.4 (MANE Select); the canonical splice donor site of the intron after coding-DNA position 654, G replaced by C.
Molecular consequence: splice donor variant.
Genome position (GRCh38, 1-based): chr20:32,787,452, G>C. VCF-style: chr20-32787452-G-C. GRCh37 (hg19) VCF-style: chr20-31375258-G-C.
Other names: c.654+1G>C (NM_001424351.1, NM_001424355.1, NM_175848.2 and 2 more transcripts); c.528+1G>C (NM_001424352.1, NM_001424356.1, NM_001424358.1 and 3 more transcripts); c.426+1G>C (NM_001207056.2); c.690+1G>C (NM_175850.3, NM_001424359.1); c.564+1G>C (NM_001424360.1).
Identifiers: ClinVar variation 2708351 (VCV002708351.3), dbSNP rs2515523115, ClinGen allele CA408587081.